The following is an entry in ClinVar:

NM_001351169.2(NT5C2):c.1665GGA[7] (p.Glu561_Ter562insGluGlu)

Genes: CNNM2 (cyclin and CBS domain divalent metal cation transport mediator 2; plus strand), NT5C2 (5'-nucleotidase, cytosolic II; minus strand). Cytogenetic location: 10q24.32.
Variant type: Microsatellite.
Coding change: c.1665GGA[7] on transcript NM_001351169.2 (MANE Select); seven copies in a row of the 3-base unit GGA starting at c.1665; the reference has five copies in a row; two copies, 6 bases duplicated.
Protein change: p.Glu561_Ter562insGluGlu.
Molecular consequence: inframe insertion. On other transcripts: 3 prime UTR variant (2).
Genome position (GRCh38, 1-based): chr10:103,089,679-103,089,684, TCCTCC duplicated on the plus strand (GGAGGA on the coding strand, the reverse complement: NT5C2 is on the minus strand); duplicating any 6 consecutive bases within chr10:103,089,679-103,089,695 gives the same sequence; the position shown is the placement nearest the transcript's 3' end. VCF-style (leftmost placement, unchanged base first): chr10-103089678-T-TTCCTCC. GRCh37 (hg19) VCF-style: chr10-104849435-T-TTCCTCC.
Other names: c.1665GGA[7], p.Glu561_Ter562insGluGlu (NM_001134373.3, NM_012229.5); c.1689GGA[7], p.Glu569_Ter570insGluGlu (NM_001351170.2, NM_001351171.2, NM_001351172.2 and 1 more transcripts); c.1578GGA[7], p.Glu532_Ter533insGluGlu (NM_001351174.1); c.1572GGA[7], p.Glu530_Ter531insGluGlu (NM_001351175.2); c.1092GGA[7], p.Glu370_Ter371insGluGlu (NM_001351176.2, NM_001351177.2, NM_001351178.2 and 16 more transcripts); c.951GGA[7], p.Glu323_Ter324insGluGlu (NM_001351194.2, NM_001351195.2, NM_001351196.2); c.*12501CTC[7] (NM_017649.5, NM_199076.3).
Identifiers: ClinVar variation 2062772 (VCV002062772.2), dbSNP rs537259520, ClinGen allele CA5670699.
Genomic context (GRCh38, chr10:103,089,678, plus strand): 5'-TGTGAGTCCTGCCAGGACTTGTTTAATGGGTGCTTGGGGTTTTGGTTTTCCTCCTTATTC[T>TTCCTCC]TCCTCCTCCTCCTCCTCTTCATCATCATCTTCGTCATGGCAGTGTGTAATTTCCTGGGGG-3'

ClinVar aggregate classification (germline): Uncertain significance (1 of 4 stars; one submission).

Conditions:
Hereditary spastic paraplegia 45. Also called: Spastic paraplegia 45, autosomal recessive; SPASTIC PARAPLEGIA 45. Identifiers: Orphanet 320396, MedGen C3888209, MONDO:0013165, OMIM 613162.

Submission:

Labcorp Genetics (formerly Invitae), Labcorp
Classification: Uncertain significance for Hereditary spastic paraplegia 45. Last evaluated: 2022-12-06. Review status: criteria provided, single submitter. Criteria: Invitae Variant Classification Sherloc (09022015). Collection method: clinical testing. Allele origin: germline.
Comment: In summary, the available evidence is currently insufficient to determine the role of this variant in disease. Therefore, it has been classified as a Variant of Uncertain Significance. Experimental studies and prediction algorithms are not available or were not evaluated, and the functional significance of this variant is currently unknown. This variant has not been reported in the literature in individuals affected with NT5C2-related conditions. This variant is present in population databases (rs751199209, gnomAD 0.004%). This sequence change disrupts the translational stop signal of the NT5C2 mRNA. It is expected to extend the length of the NT5C2 protein by 2 additional amino acid residues.